The following is an entry in ClinVar:

ClinVar aggregate classification (germline): Uncertain significance (1 of 4 stars; one submission).

Submission:

Labcorp Genetics (formerly Invitae), Labcorp
Classification: Uncertain significance. Last evaluated: 2017-06-30. Review status: criteria provided, single submitter. Criteria: Invitae Variant Classification Sherloc (09022015). Collection method: clinical testing. Allele origin: germline.
Comment: In summary, the available evidence is currently insufficient to determine the role of this variant in disease. Therefore, it has been classified as a Variant of Uncertain Significance. Algorithms developed to predict the effect of missense changes on protein structure and function (SIFT, PolyPhen-2, Align-GVGD) all suggest that this variant is likely to be tolerated, but these predictions have not been confirmed by published functional studies and their clinical significance is uncertain. This variant has not been reported in the literature in individuals with SMARCB1-related disease. This variant is not present in population databases (ExAC no frequency). This sequence change replaces threonine with serine at codon 205 of the SMARCB1 protein (p.Thr205Ser). The threonine residue is highly conserved and there is a small physicochemical difference between threonine and serine.

NM_003073.5(SMARCB1):c.613A>T (p.Thr205Ser)

Gene: SMARCB1 (SWI/SNF related BAF chromatin remodeling complex subunit B1; plus strand). Cytogenetic location: 22q11.23.
Variant type: single nucleotide variant.
Coding change: c.613A>T on transcript NM_003073.5 (MANE Select); coding-DNA position 613, A replaced by T.
Protein change: p.Thr205Ser; replaces threonine 205 with serine.
Molecular consequence: missense variant.
Genome position (GRCh38, 1-based): chr22:23,803,407, A>T. VCF-style: chr22-23803407-A-T. GRCh37 (hg19) VCF-style: chr22-24145594-A-T.
Other names: c.613A>T (LRG_520t1); c.586A>T, p.Thr196Ser (NM_001007468.3); c.640A>T, p.Thr214Ser (NM_001317946.2); c.667A>T, p.Thr223Ser (NM_001362877.2); short protein forms T205S, T223S, T196S, T214S.
Identifiers: ClinVar variation 464331 (VCV000464331.10), dbSNP rs1555877290, ClinGen allele CA410935995.
Genomic context (GRCh38, chr22:23,803,407, plus strand): 5'-GTGCTGGTCCCCATCCGGCTGGACATGGAGATCGATGGGCAGAAGCTGCGAGACGCCTTC[A>T]CCTGGAACATGAATGGTACAAGGCAGTCGGGCTTGGCTGGGCCTGGCCCCAACCCCTGTG-3'
Protein context (NP_003064.2, residues 195-215): IDGQKLRDAF[Thr205Ser]WNMNEKLMTP